The following is an entry in ClinVar:

NM_000214.3(JAG1):c.3203del (p.Phe1068fs)

Gene: JAG1 (jagged canonical Notch ligand 1; minus strand). Cytogenetic location: 20p12.2.
Variant type: Deletion.
Coding change: c.3203del on transcript NM_000214.3 (MANE Select); coding-DNA position 3203, one base deleted (T; older notation c.3203delT).
Protein change: p.Phe1068fs; shifts the reading frame from phenylalanine 1068.
Molecular consequence: frameshift variant.
Genome position (GRCh38, 1-based): chr20:10,639,952, A deleted on the plus strand (T on the coding strand, the reverse complement: JAG1 is on the minus strand); the first of 3 consecutive A bases (chr20:10,639,952-10,639,954); deleting any one gives the same sequence. VCF-style (leftmost placement, unchanged base first): chr20-10639951-GA-G. GRCh37 (hg19) VCF-style: chr20-10620599-GA-G.
Other names: short protein forms F1068fs.
Identifiers: ClinVar variation 1069512 (VCV001069512.9), dbSNP rs2122593684, ClinGen allele CA2499225659.
Genomic context (GRCh38, chr20:10,639,951, plus strand): 5'-GGCCGTCACCAAGCAACAGATCCAAGCCACAGTTAAGACAGAGCTCAGCAAGGGAACAAG[GA>G]AATCTGTAAGGCAGGCACAAAACCAATTAACTCTCCAAGAAAGAAAGAAAAAAGCATCAT-3'

ClinVar aggregate classification (germline): Pathogenic (1 of 4 stars; one submission).

Conditions:
Alagille syndrome due to a JAG1 point mutation. Also called: JAG1-Related Alagille Syndrome; Alagille Syndrome 1; HEPATIC DUCTULAR HYPOPLASIA, SYNDROMATIC. Identifiers: Orphanet 261619, Orphanet 52, MedGen C1956125, MONDO:0016862, OMIM 118450.

Submission:

Labcorp Genetics (formerly Invitae), Labcorp
Classification: Pathogenic for Alagille syndrome due to a JAG1 point mutation. Last evaluated: 2024-12-21. Review status: criteria provided, single submitter. Criteria: Invitae Variant Classification Sherloc (09022015). Collection method: clinical testing. Allele origin: germline.
Comment: This sequence change creates a premature translational stop signal (p.Phe1068Serfs*6) in the JAG1 gene. While this is not anticipated to result in nonsense mediated decay, it is expected to disrupt the last 151 amino acid(s) of the JAG1 protein. This variant is not present in population databases (gnomAD no frequency). This premature translational stop signal has been observed in individual(s) with JAG1-related conditions (PMID: 16575836). ClinVar contains an entry for this variant (Variation ID: 1069512). This variant disrupts a region of the JAG1 protein in which other variant(s) (p.Ser1075Cysfs*33) have been determined to be pathogenic (PMID: 9700188). This suggests that this is a clinically significant region of the protein, and that variants that disrupt it are likely to be disease-causing. For these reasons, this variant has been classified as Pathogenic.

Literature cited by the submitters: PubMed 16575836; PubMed 9700188.